The following is an entry in ClinVar:

NM_001111125.3(IQSEC2):c.3229C>T (p.Arg1077Cys)

Gene: IQSEC2 (IQ motif and Sec7 domain ArfGEF 2; minus strand). Cytogenetic location: Xp11.22.
Variant type: single nucleotide variant.
Coding change: c.3229C>T on transcript NM_001111125.3 (MANE Select); coding-DNA position 3229, C replaced by T.
Protein change: p.Arg1077Cys; replaces arginine 1077 with cysteine.
Molecular consequence: missense variant.
Genome position (GRCh38, 1-based): chrX:53,238,193, G>A on the plus strand (C>T on the coding strand, the complement: IQSEC2 is on the minus strand). VCF-style: chrX-53238193-G-A. GRCh37 (hg19) VCF-style: chrX-53267375-G-A.
Other names: c.2614C>T, p.Arg872Cys (NM_015075.2); c.3229C>T (NM_001111125.2); short protein forms R872C, R1077C.
Identifiers: ClinVar variation 871790 (VCV000871790.51), dbSNP rs782569979, ClinGen allele CA10419834.

ClinVar aggregate classification (germline): Conflicting classifications of pathogenicity. Review status: criteria provided, conflicting classifications (1 of 4 stars). 4 submissions from 4 submitters: Uncertain significance (3); Likely benign (1). Last evaluated 2023-12-07.

Conditions:
Inborn genetic diseases. Identifiers: MedGen C0950123, MeSH D030342.
Intellectual developmental disorder, X-linked 1. Also called: MENTAL RETARDATION, X-LINKED 18; MENTAL RETARDATION, X-LINKED 78; Intellectual disability, X-linked 1; Atkin Flaitz Patil Smith syndrome. Identifiers: Orphanet 777, MedGen C2931498, MONDO:0010656, OMIM 309530.

Allele frequency attached by ClinVar (database versions not stated): gnomAD exomes 0.00001; ExAC below 0.00001.
gnomAD v4.1: 6 of 1,208,650 alleles (0.0005%); highest among the groups gnomAD compares: Non-Finnish European, 0.00067%; no homozygotes.

Submissions (4):

Ambry Genetics
Classification: Uncertain significance for Inborn genetic diseases. Last evaluated: 2023-12-07. Review status: criteria provided, single submitter. Criteria: Ambry Variant Classification Scheme 2023. Collection method: clinical testing. Allele origin: germline.

Labcorp Genetics (formerly Invitae), Labcorp
Classification: Likely benign for Intellectual developmental disorder, X-linked 1. Last evaluated: 2023-10-16. Review status: criteria provided, single submitter. Criteria: Invitae Variant Classification Sherloc (09022015). Collection method: clinical testing. Allele origin: germline.

GeneDx
Classification: Uncertain significance. Last evaluated: 2021-05-25. Review status: criteria provided, single submitter. Criteria: GeneDx Variant Classification Process June 2021. Collection method: clinical testing. Allele origin: germline. Affected: yes.
Comment: In silico analysis supports that this missense variant has a deleterious effect on protein structure/function; Has not been previously published as pathogenic or benign to our knowledge

CeGaT Center for Human Genetics Tuebingen
Classification: Uncertain significance. Last evaluated: 2019-09-01. Review status: criteria provided, single submitter. Criteria: CeGaT Center For Human Genetics Tuebingen Variant Classification Criteria Version 2. Collection method: clinical testing. Allele origin: germline. Affected: yes. Observed: 1 variant allele.